The following is an entry in ClinVar:

ClinVar aggregate classification (germline): Conflicting classifications of pathogenicity. Review status: criteria provided, conflicting classifications (1 of 4 stars). 5 submissions from 4 submitters: Uncertain significance (4); Benign (1). Last evaluated 2023-06-22.

Conditions:
von Willebrand disease type 1 (VWD1). Also called: VWD, TYPE 1; VON WILLEBRAND DISEASE, TYPE I. Identifiers: Orphanet 166078, Orphanet 903, MedGen C1264039, MONDO:0008668, OMIM 193400. Inheritance: autosomal recessive or autosomal dominant.
von Willebrand disease type 2 (VWD2). Also called: VWD, TYPE 2; VON WILLEBRAND DISEASE, TYPE 2A/IIE; VON WILLEBRAND DISEASE, TYPE 2CB; VON WILLEBRAND DISEASE, TYPE II. Identifiers: Orphanet 166081, Orphanet 903, MedGen C1264040, MONDO:0013304, OMIM 613554.

Allele frequency attached by ClinVar (database versions not stated): 1000 Genomes Project 30x 0.00359; gnomAD 0.01607.

Submissions (5):

Neuberg Centre For Genomic Medicine, NCGM
Classification: Uncertain significance for von Willebrand disease type 2. Last evaluated: 2023-06-22. Review status: criteria provided, single submitter. Criteria: ACMG Guidelines, 2015. Collection method: clinical testing. Allele origin: germline. Inheritance: Autosomal dominant inheritance. Affected: yes.
Comment: The observed synonymous c.5049A>C p.Ala1683Ala variant in VWF gene has not been reported in affected individuals previously as a pathogenic variant nor as a benign variant, to our knowledge. The p.Ala1683Ala variant is absent gnomAD Exomes. This variant has been submitted to ClinVar database as Benign / Uncertain Significance multiple submissions. The splice site is located 5 position downstream of this variant. As this synonymous variant lies in the splice region, functional studies are required to prove the pathogenicity. Hence, for these reasons, this variant is classified as Variant of Uncertain Significance VUS.

Neuberg Centre For Genomic Medicine, NCGM
Classification: Uncertain significance for von Willebrand disease type 1. Last evaluated: 2023-06-22. Review status: criteria provided, single submitter. Criteria: ACMG Guidelines, 2015. Collection method: clinical testing. Allele origin: germline. Inheritance: Autosomal dominant inheritance. Affected: yes.
Comment: The synonymous c.5049A>C (p.Ala1683Ala) variant in VWF gene has not been reported in affected individuals previously as a pathogenic variant nor as a benign variant, to our knowledge. The p.Ala1683Ala variant is absent gnomAD exomes database. This variant has been submitted to ClinVar database as Uncertain Significance/Likely Benign (multiple submissions). The splice site is located 5 position downstream of this variant. As this synonymous variant lies in the splice region, functional studies are required to prove the pathogenicity. Hence, for these reasons, this variant is classified as Variant of Uncertain Significance (VUS).

Mendelics
Classification: Benign. Last evaluated: 2022-05-04. Review status: criteria provided, single submitter. Criteria: Mendelics Assertion Criteria 2019. Collection method: clinical testing. Allele origin: germline.

Genetic Services Laboratory, University of Chicago
Classification: Uncertain significance. Last evaluated: 2020-08-17. Review status: criteria provided, single submitter. Criteria: ACMG Guidelines, 2015. Collection method: clinical testing. Allele origin: germline. Affected: no.

Eurofins Ntd Llc (ga)
Classification: Uncertain significance. Last evaluated: 2015-07-13. Review status: criteria provided, single submitter. Criteria: EGL Classification Definitions 2015. Collection method: clinical testing. Allele origin: germline. Observed: 2 variant alleles, 2 heterozygotes.

NM_000552.5(VWF):c.5049A>C (p.Ala1683=)

Gene: VWF (von Willebrand factor; minus strand). Cytogenetic location: 12p13.31.
Variant type: single nucleotide variant.
Coding change: c.5049A>C on transcript NM_000552.5 (MANE Select); coding-DNA position 5049, A replaced by C.
Protein change: p.Ala1683=; no amino-acid change (alanine 1683 retained).
Molecular consequence: synonymous variant.
Genome position (GRCh38, 1-based): chr12:6,018,369, T>G on the plus strand (A>C on the coding strand, the complement: VWF is on the minus strand). VCF-style: chr12-6018369-T-G. GRCh37 (hg19) VCF-style: chr12-6127535-T-G.
Identifiers: ClinVar variation 281929 (VCV000281929.15), dbSNP rs79275181, ClinGen allele CA10604008.